The following is an entry in ClinVar:

ClinVar aggregate classification (germline): Uncertain significance (1 of 4 stars; one submission).

Conditions:
Combined immunodeficiency due to DOCK8 deficiency (HIES2). Also called: HYPER-IgE RECURRENT INFECTION SYNDROME 2, AUTOSOMAL RECESSIVE; HYPER-IgE SYNDROME 2, AUTOSOMAL RECESSIVE, WITH RECURRENT INFECTIONS; HIES autosomal recessive; DOCK8 Deficiency; Hyper-IgE recurrent infection syndrome, autosomal recessive. Identifiers: Orphanet 217390, MedGen C4722305, MONDO:0009478, OMIM 243700.

Submission:

Labcorp Genetics (formerly Invitae), Labcorp
Classification: Uncertain significance for Combined immunodeficiency due to DOCK8 deficiency. Last evaluated: 2022-03-01. Review status: criteria provided, single submitter. Criteria: Invitae Variant Classification Sherloc (09022015). Collection method: clinical testing. Allele origin: germline.
Comment: This variant results in a copy number gain of the genomic region encompassing exon(s) 1-11 of the DOCK8 gene. This region includes the initiator codon of the gene. This copy number gain extends beyond the assayed region for this gene and therefore may encompass additional genes. As the precise location of this event is unknown, it may be in tandem or it may be located elsewhere in the genome. This variant has not been reported in the literature in individuals affected with DOCK8-related conditions. Experimental studies and prediction algorithms are not available or were not evaluated, and the functional significance of this variant is currently unknown. In summary, the available evidence is currently insufficient to determine the role of this variant in disease. Therefore, it has been classified as a Variant of Uncertain Significance.

NC_000009.11:g.(?_214977)_(334404_?)dup

Genes: DOCK8-AS1 (DOCK8 antisense RNA 1; minus strand), DOCK8 (dedicator of cytokinesis 8; plus strand). Cytogenetic location: 9p24.3.
Variant type: Duplication.
Identifiers: ClinVar variation 1413010 (VCV001413010.8).